The following is an entry in ClinVar:

ClinVar aggregate classification (germline): Benign (1 of 4 stars; one submission).

Conditions:
Intestinal hypomagnesemia 1. Also called: HYPOMAGNESEMIA, INTESTINAL, WITH SECONDARY HYPOCALCEMIA; HYPOMAGNESEMIC TETANY. Identifiers: Orphanet 30924, MedGen C1865974, MONDO:0011176, OMIM 602014.

Allele frequency attached by ClinVar (database versions not stated): gnomAD 0.00372 and 0.00391; 1000 Genomes Project 0.00559; 1000 Genomes Project 30x 0.00593.

Submission:

Illumina Laboratory Services, Illumina
Classification: Benign for Intestinal hypomagnesemia 1. Last evaluated: 2018-01-13. Review status: criteria provided, single submitter. Criteria: ICSL Variant Classification Criteria 13 December 2019. Collection method: clinical testing. Allele origin: germline.
Comment: This variant was observed in the ICSL laboratory as part of a predisposition screen in an ostensibly healthy population. It had not been previously curated by ICSL or reported in the Human Gene Mutation Database (HGMD: prior to June 1st, 2018), and was therefore a candidate for classification through an automated scoring system. Utilizing variant allele frequency, disease prevalence and penetrance estimates, and inheritance mode, an automated score was calculated to assess if this variant is too frequent to cause the disease. Based on the score and internal cut-off values, a variant classified as benign is not then subjected to further curation. The score for this variant resulted in a classification of benign for this disease.

NM_017662.5(TRPM6):c.*1084C>T

Gene: TRPM6 (transient receptor potential cation channel subfamily M member 6; minus strand). Cytogenetic location: 9q21.13.
Variant type: single nucleotide variant.
Coding change: c.*1084C>T on transcript NM_017662.5 (MANE Select); 1084 bases downstream of the stop codon, C replaced by T.
Molecular consequence: 3 prime UTR variant.
Genome position (GRCh38, 1-based): chr9:74,723,529, G>A on the plus strand (C>T on the coding strand, the complement: TRPM6 is on the minus strand). VCF-style: chr9-74723529-G-A. GRCh37 (hg19) VCF-style: chr9-77338445-G-A.
Other names: c.*1084C>T (NM_001177310.2, NM_001177311.2).
Identifiers: ClinVar variation 367275 (VCV000367275.5), dbSNP rs184870782, ClinGen allele CA10633941.